The following is an entry in ClinVar:

NC_000006.12:g.(?_162201121)_(162443487_?)del

Gene: PRKN (parkin RBR E3 ubiquitin protein ligase; minus strand). Cytogenetic location: 6q26.
Variant type: Deletion.
Identifiers: ClinVar variation 833036 (VCV000833036.1).

ClinVar aggregate classification (germline): Pathogenic (1 of 4 stars; one submission).

Submission:

Labcorp Genetics (formerly Invitae), Labcorp
Classification: Pathogenic. Last evaluated: 2019-08-27. Review status: criteria provided, single submitter. Criteria: Invitae Variant Classification Sherloc (09022015). Collection method: clinical testing. Allele origin: germline.
Comment: This variant is an out-of-frame deletion of the genomic region encompassing exons 2-4 of the PRKN gene. This is expected to create a premature translational stop signal and result in an absent or disrupted protein product. Similar deletions of exons 2-4 have been observed in individuals and families affected with autosomal recessive early-onset Parkinson's disease and in an individual with clinical features of Parkinson's disease with Lewy bodies (PMID: 10824074, 10939576, 23401296, 23880019). Loss-of-function variants in PRKN are known to be pathogenic (PMID: 10072423, 20301651, 22956510). For these reasons, this variant has been classified as Pathogenic.

Literature cited by the submitters: PubMed 23880019; PubMed 10939576; PubMed 10824074; PubMed 23401296.